The following is an entry in ClinVar:

ClinVar aggregate classification (germline): Likely benign (1 of 4 stars; one submission).

gnomAD v4.1: 3 of 1,613,992 alleles (0.00019%); highest among the groups gnomAD compares: East Asian, 0.0022%; no homozygotes.

Submission:

CeGaT Center for Human Genetics Tuebingen
Classification: Likely benign. Last evaluated: 2025-05-01. Review status: criteria provided, single submitter. Criteria: CeGaT Center For Human Genetics Tuebingen Variant Classification Criteria Version 2. Collection method: clinical testing. Allele origin: germline. Affected: yes. Observed: 1 variant allele.
Comment: STIMATE: BP4, BP7; STIMATE-MUSTN1: BP4, BP7

NM_198563.5(STIMATE):c.522A>G (p.Leu174=)

Genes: STIMATE (STIM activating enhancer; minus strand), STIMATE-MUSTN1 (STIMATE-MUSTN1 readthrough; minus strand). Cytogenetic location: 3p21.1.
Variant type: single nucleotide variant.
Coding change: c.522A>G on transcript NM_198563.5 (MANE Select); coding-DNA position 522, A replaced by G.
Protein change: p.Leu174=; no amino-acid change (leucine 174 retained).
Molecular consequence: synonymous variant.
Genome position (GRCh38, 1-based): chr3:52,844,847, T>C on the plus strand (A>G on the coding strand, the complement: STIMATE is on the minus strand). VCF-style: chr3-52844847-T-C. GRCh37 (hg19) VCF-style: chr3-52878863-T-C.
Other names: c.522A>G, p.Leu174= (NM_001198974.3).
Identifiers: ClinVar variation 3905823 (VCV003905823.10).